The following is an entry in ClinVar:

NM_001371279.1(REEP1):c.327del (p.Ala110fs)

Gene: REEP1 (receptor accessory protein 1; minus strand). Cytogenetic location: 2p11.2.
Variant type: Deletion.
Coding change: c.327del on transcript NM_001371279.1 (MANE Select); coding-DNA position 327, one base deleted (A; older notation c.327delA).
Protein change: p.Ala110fs; shifts the reading frame from alanine 110.
Molecular consequence: frameshift variant. On other transcripts: intron variant (1).
Genome position (GRCh38, 1-based): chr2:86,252,047, T deleted on the plus strand (A on the coding strand, the reverse complement: REEP1 is on the minus strand); the first of 2 consecutive T bases (chr2:86,252,047-86,252,048); deleting either gives the same sequence. VCF-style (leftmost placement, unchanged base first): chr2-86252046-CT-C. GRCh37 (hg19) VCF-style: chr2-86479169-CT-C.
Other names: c.348del, p.Ala117fs (NM_001164730.2); c.246del, p.Ala83fs (NM_001164731.2); c.327del, p.Ala110fs (NM_001371280.1, NM_001410855.1, NM_001410856.1 and 1 more transcripts); c.182+11918del (NM_001164732.2); c.327delA (NM_022912.2); short protein forms A83fs, A110fs, A117fs.
Identifiers: ClinVar variation 2616434 (VCV002616434.2), dbSNP rs2468827655, ClinGen allele CA2582342411.

ClinVar aggregate classification (germline): Pathogenic (1 of 4 stars; one submission).

Conditions:
Inborn genetic diseases. Identifiers: MedGen C0950123, MeSH D030342.

Submission:

Ambry Genetics
Classification: Pathogenic for Inborn genetic diseases. Last evaluated: 2023-08-16. Review status: criteria provided, single submitter. Criteria: Ambry Variant Classification Scheme 2023. Collection method: clinical testing. Allele origin: germline.
Comment: The c.327delA (p.A110Qfs*17) alteration, located in exon 5 (coding exon 5) of the REEP1 gene, consists of a deletion of one nucleotide at position 327, causing a translational frameshift with a predicted alternate stop codon after 17 amino acids. This alteration is expected to result in loss of function by premature protein truncation or nonsense-mediated mRNA decay. This variant was not reported in population-based cohorts in the Genome Aggregation Database (gnomAD). Based on the available evidence, this alteration is classified as pathogenic.